The following is an entry in ClinVar:

NM_001159773.2(CANT1):c.271T>C (p.Tyr91His)

Gene: CANT1 (calcium activated nucleotidase 1; minus strand). Cytogenetic location: 17q25.3.
Variant type: single nucleotide variant.
Coding change: c.271T>C on transcript NM_001159773.2 (MANE Select); coding-DNA position 271, T replaced by C.
Protein change: p.Tyr91His; replaces tyrosine 91 with histidine.
Molecular consequence: missense variant.
Genome position (GRCh38, 1-based): chr17:78,997,352, A>G on the plus strand (T>C on the coding strand, the complement: CANT1 is on the minus strand). VCF-style: chr17-78997352-A-G. GRCh37 (hg19) VCF-style: chr17-76993434-A-G.
Other names: c.271T>C, p.Tyr91His (NM_001159772.2, NM_138793.4); c.271T>C (NM_138793.3); short protein forms Y91H.
Identifiers: ClinVar variation 1521420 (VCV001521420.6), dbSNP rs779389320, ClinGen allele CA8808771.

ClinVar aggregate classification (germline): Uncertain significance. Review status: criteria provided, multiple submitters, no conflicts (2 of 4 stars). 2 submissions from 2 submitters: Uncertain significance (2). Last evaluated 2025-06-06.

Conditions:
Inborn genetic diseases. Identifiers: MedGen C0950123, MeSH D030342.

Allele frequency attached by ClinVar (database versions not stated): gnomAD exomes 0.00011 and 0.00005; ExAC 0.00009; gnomAD 0.00002.
gnomAD v4.1: 34 of 1,598,720 alleles (0.0021%); highest among the groups gnomAD compares: Admixed American, 0.049%; no homozygotes.

Submissions (2):

Ambry Genetics
Classification: Uncertain significance for Inborn genetic diseases. Last evaluated: 2025-06-06. Review status: criteria provided, single submitter. Criteria: Ambry Variant Classification Scheme 2023. Collection method: clinical testing. Allele origin: germline.

Labcorp Genetics (formerly Invitae), Labcorp
Classification: Uncertain significance. Last evaluated: 2022-07-01. Review status: criteria provided, single submitter. Criteria: Invitae Variant Classification Sherloc (09022015). Collection method: clinical testing. Allele origin: germline.
Comment: This sequence change replaces tyrosine, which is neutral and polar, with histidine, which is basic and polar, at codon 91 of the CANT1 protein (p.Tyr91His). This variant is present in population databases (rs779389320, gnomAD 0.07%). This variant has not been reported in the literature in individuals affected with CANT1-related conditions. ClinVar contains an entry for this variant (Variation ID: 1521420). Algorithms developed to predict the effect of missense changes on protein structure and function are either unavailable or do not agree on the potential impact of this missense change (SIFT: "Deleterious"; PolyPhen-2: "Probably Damaging"; Align-GVGD: "Class C0"). In summary, the available evidence is currently insufficient to determine the role of this variant in disease. Therefore, it has been classified as a Variant of Uncertain Significance.